The following is an entry in ClinVar:

NM_000540.3(RYR1):c.12657C>G (p.Asp4219Glu)

Gene: RYR1 (ryanodine receptor 1; plus strand). Cytogenetic location: 19q13.2.
Variant type: single nucleotide variant.
Coding change: c.12657C>G on transcript NM_000540.3 (MANE Select); coding-DNA position 12657, C replaced by G.
Protein change: p.Asp4219Glu; replaces aspartic acid 4219 with glutamic acid.
Molecular consequence: missense variant.
Genome position (GRCh38, 1-based): chr19:38,564,991, C>G. VCF-style: chr19-38564991-C-G. GRCh37 (hg19) VCF-style: chr19-39055631-C-G.
Other names: c.12642C>G, p.Asp4214Glu (NM_001042723.2); short protein forms D4214E, D4219E.
Identifiers: ClinVar variation 3074032 (VCV003074032.2), dbSNP rs770604994, ClinGen allele CA405670857.

ClinVar aggregate classification (germline): Uncertain significance. Review status: criteria provided, multiple submitters, no conflicts (2 of 4 stars). 2 submissions from 2 submitters: Uncertain significance (2). Last evaluated 2025-08-10.

Conditions:
RYR1-related disorder. Also called: RYR1-related condition; RYR1-related disorders. Identifiers: MedGen CN239331.
Malignant hyperthermia, susceptibility to, 1 (MHS1). Also called: Anesthesia related hyperthermia; Malignant hyperpyrexia; Fulminating hyperpyrexia; Pharmacogenic myopathy; RYR1-Related Malignant Hyperthermia Susceptibility; Malignant hyperthermia suceptibility 1. Identifiers: Orphanet 423, MedGen C2930980, MONDO:0007783, OMIM 145600.

gnomAD v4.1: 1 of 1,592,088 alleles (0.000063%); highest among the groups gnomAD compares: Non-Finnish European, 0.000085%; no homozygotes.

Submissions (2):

Labcorp Genetics (formerly Invitae), Labcorp
Classification: Uncertain significance for RYR1-related disorder. Last evaluated: 2025-08-10. Review status: criteria provided, single submitter. Criteria: Invitae Variant Classification Sherloc (09022015). Collection method: clinical testing. Allele origin: germline.
Comment: This sequence change replaces aspartic acid, which is acidic and polar, with glutamic acid, which is acidic and polar, at codon 4219 of the RYR1 protein (p.Asp4219Glu). This variant is not present in population databases (gnomAD no frequency). This variant has not been reported in the literature in individuals affected with RYR1-related conditions. ClinVar contains an entry for this variant (Variation ID: 3074032). Invitae Evidence Modeling of protein sequence and biophysical properties (such as structural, functional, and spatial information, amino acid conservation, physicochemical variation, residue mobility, and thermodynamic stability) indicates that this missense variant is not expected to disrupt RYR1 protein function with a negative predictive value of 80%. In summary, the available evidence is currently insufficient to determine the role of this variant in disease. Therefore, it has been classified as a Variant of Uncertain Significance.

All of Us Research Program, National Institutes of Health
Classification: Uncertain significance for Malignant hyperthermia, susceptibility to, 1. Last evaluated: 2023-12-01. Review status: criteria provided, single submitter. Criteria: ACMG Guidelines, 2015. Collection method: clinical testing. Allele origin: germline. Inheritance: Autosomal dominant inheritance. Observed: 1 variant allele, 1 heterozygote.
Comment: This study involves interpretation of variants in research participants for the purpose of population health screening. Participant phenotype was not available at the time of variant classification. Additional details can be found in publication PMID: 35346344, PMCID: PMC8962531